The following is an entry in ClinVar:

ClinVar aggregate classification (germline): Pathogenic (1 of 4 stars; one submission).

Conditions:
Familial adenomatous polyposis 3. Also called: NTHL1-Related Adenomatous Polyposis and Colorectal Cancer; NTHL1 Tumor Syndrome; NTHL1-related attenuated familial adenomatous polyposis; NTHL1-associated polyposis. Identifiers: Orphanet 220460, Orphanet 454840, MedGen C4225157, MONDO:0014630, OMIM 616415.

Submission:

Myriad Genetics, Inc.
Classification: Pathogenic for Familial adenomatous polyposis 3. Last evaluated: 2023-09-05. Review status: criteria provided, single submitter. Criteria: Myriad Autosomal Dominant, Autosomal Recessive and X-Linked Classification Criteria (2023). Collection method: clinical testing. Allele origin: unknown.
Comment: This variant is considered pathogenic. This variant creates a frameshift predicted to result in premature protein truncation.

NM_002528.7(NTHL1):c.716del (p.Asn239fs)

Gene: NTHL1 (nth like DNA glycosylase 1; minus strand). Cytogenetic location: 16p13.3.
Variant type: Deletion.
Coding change: c.716del on transcript NM_002528.7 (MANE Select); coding-DNA position 716, one base deleted (A; older notation c.716delA).
Protein change: p.Asn239fs; shifts the reading frame from asparagine 239.
Molecular consequence: frameshift variant.
Genome position (GRCh38, 1-based): chr16:2,040,208, T deleted on the plus strand (A on the coding strand, the reverse complement: NTHL1 is on the minus strand); the first of 2 consecutive T bases (chr16:2,040,208-2,040,209); deleting either gives the same sequence. VCF-style (leftmost placement, unchanged base first): chr16-2040207-GT-G. GRCh37 (hg19) VCF-style: chr16-2090208-GT-G.
Other names: c.545del, p.Asn182fs (NM_001318193.2); c.386del, p.Asn129fs (NM_001318194.2); short protein forms N129fs, N182fs, N239fs.
Identifiers: ClinVar variation 2673818 (VCV002673818.1), dbSNP rs2548312011, ClinGen allele CA2695197414.